The following is an entry in ClinVar:

NM_032444.4(SLX4):c.4114C>T (p.Arg1372Trp)

Gene: SLX4 (SLX4 structure-specific endonuclease subunit; minus strand). Cytogenetic location: 16p13.3.
Variant type: single nucleotide variant.
Coding change: c.4114C>T on transcript NM_032444.4 (MANE Select); coding-DNA position 4114, C replaced by T.
Protein change: p.Arg1372Trp; replaces arginine 1372 with tryptophan.
Molecular consequence: missense variant.
Genome position (GRCh38, 1-based): chr16:3,589,524, G>A on the plus strand (C>T on the coding strand, the complement: SLX4 is on the minus strand). VCF-style: chr16-3589524-G-A. GRCh37 (hg19) VCF-style: chr16-3639525-G-A.
Other names: short protein forms R1372W.
Identifiers: ClinVar variation 2739414 (VCV002739414.4), dbSNP rs369846826, ClinGen allele CA7865730.

ClinVar aggregate classification (germline): Uncertain significance. Review status: criteria provided, multiple submitters, no conflicts (2 of 4 stars). 2 submissions from 2 submitters: Uncertain significance (2). Last evaluated 2025-05-05.

Conditions:
Fanconi anemia complementation group P. Also called: SLX4-Related Fanconi Anemia. Identifiers: Orphanet 84, MedGen C3469542, MONDO:0013499, OMIM 613951.
Fanconi anemia (FA). Also called: Fanconi's anemia. Identifiers: Orphanet 84, MedGen C0015625, MeSH D005199, MONDO:0019391.

Allele frequency attached by ClinVar (database versions not stated): gnomAD exomes 0.00001; ExAC 0.00003; ESP Exome Variant Server 0.00008.

Submissions (2):

Labcorp Genetics (formerly Invitae), Labcorp
Classification: Uncertain significance for Fanconi anemia. Last evaluated: 2025-05-05. Review status: criteria provided, single submitter. Criteria: Invitae Variant Classification Sherloc (09022015). Collection method: clinical testing. Allele origin: germline.
Comment: This sequence change replaces arginine, which is basic and polar, with tryptophan, which is neutral and slightly polar, at codon 1372 of the SLX4 protein (p.Arg1372Trp). This variant is present in population databases (rs369846826, gnomAD 0.007%). This variant has not been reported in the literature in individuals affected with SLX4-related conditions. ClinVar contains an entry for this variant (Variation ID: 2739414). An algorithm developed to predict the effect of missense changes on protein structure and function outputs the following: PolyPhen-2: "Benign". The tryptophan amino acid residue is found in multiple mammalian species, which suggests that this missense change does not adversely affect protein function. In summary, the available evidence is currently insufficient to determine the role of this variant in disease. Therefore, it has been classified as a Variant of Uncertain Significance.

Fulgent Genetics
Classification: Uncertain significance for Fanconi anemia complementation group P. Last evaluated: 2024-03-01. Review status: criteria provided, single submitter. Criteria: ACMG Guidelines, 2015. Collection method: clinical testing. Allele origin: germline.